The following is an entry in ClinVar:

ClinVar aggregate classification (germline): Likely benign. Review status: criteria provided, single submitter (1 of 4 stars). 2 submissions from 2 submitters: Likely benign (1). 1 of the submissions does not count toward it. Last evaluated 2025-12-06.

Conditions:
LOXL3-related disorder. Also called: LOXL3-related condition.

Allele frequency attached by ClinVar (database versions not stated): 1000 Genomes Project 0.00080; 1000 Genomes Project 30x 0.00094.
gnomAD v4.1: 471 of 1,612,848 alleles (0.029%); highest among the groups gnomAD compares: South Asian, 0.048%; 1 homozygote.

Submissions (2):

Labcorp Genetics (formerly Invitae), Labcorp
Classification: Likely benign. Last evaluated: 2025-12-06. Review status: criteria provided, single submitter. Criteria: Invitae Variant Classification Sherloc (09022015). Collection method: clinical testing. Allele origin: germline.

PreventionGenetics, part of Exact Sciences
Classification: Likely benign for LOXL3-related condition. Last evaluated: 2019-09-11. Review status: no assertion criteria provided. Collection method: clinical testing. Allele origin: germline. Not counted in ClinVar's aggregate classification.
Comment: This variant is classified as likely benign based on ACMG/AMP sequence variant interpretation guidelines (Richards et al. 2015 PMID: 25741868, with internal and published modifications).

NM_032603.5(LOXL3):c.527G>A (p.Gly176Glu)

Genes: DOK1 (docking protein 1; plus strand), LOXL3 (lysyl oxidase like 3; minus strand). Cytogenetic location: 2p13.1.
Variant type: single nucleotide variant.
Coding change: c.527G>A on transcript NM_032603.5 (MANE Select); coding-DNA position 527, G replaced by A.
Protein change: p.Gly176Glu; replaces glycine 176 with glutamic acid.
Molecular consequence: missense variant. On other transcripts: intron variant (2).
Genome position (GRCh38, 1-based): chr2:74,549,534, C>T on the plus strand (G>A on the coding strand, the complement: LOXL3 is on the minus strand). VCF-style: chr2-74549534-C-T. GRCh37 (hg19) VCF-style: chr2-74776661-C-T.
Other names: c.477+651G>A (NM_001289164.3); c.-358+362C>T (NM_001197260.2); short protein forms G176E.
Identifiers: ClinVar variation 2070591 (VCV002070591.5), dbSNP rs199751441, ClinGen allele CA1729145.